The following is an entry in ClinVar:

NM_002645.4(PIK3C2A):c.442G>C (p.Gly148Arg)

Gene: PIK3C2A (phosphatidylinositol-4-phosphate 3-kinase catalytic subunit type 2 alpha; minus strand). Cytogenetic location: 11p15.1.
Variant type: single nucleotide variant.
Coding change: c.442G>C on transcript NM_002645.4 (MANE Select); coding-DNA position 442, G replaced by C.
Protein change: p.Gly148Arg; replaces glycine 148 with arginine.
Molecular consequence: missense variant. On other transcripts: intron variant (1).
Genome position (GRCh38, 1-based): chr11:17,169,300, C>G on the plus strand (G>C on the coding strand, the complement: PIK3C2A is on the minus strand). VCF-style: chr11-17169300-C-G. GRCh37 (hg19) VCF-style: chr11-17190847-C-G.
Other names: c.442G>C, p.Gly148Arg (NM_001321378.2, NM_001386870.1); c.-75-13671G>C (NM_001321380.2); short protein forms G148R.
Identifiers: ClinVar variation 2048317 (VCV002048317.2), dbSNP rs770884480, ClinGen allele CA5901570.

ClinVar aggregate classification (germline): Uncertain significance (1 of 4 stars; one submission).

Allele frequency attached by ClinVar (database versions not stated): ExAC 0.00001; TOPMed 0.00004; gnomAD 0.00011.
gnomAD v4.1: 29 of 1,613,994 alleles (0.0018%); highest among the groups gnomAD compares: Admixed American, 0.027%; no homozygotes.

Submission:

Labcorp Genetics (formerly Invitae), Labcorp
Classification: Uncertain significance. Last evaluated: 2025-05-27. Review status: criteria provided, single submitter. Criteria: Invitae Variant Classification Sherloc (09022015). Collection method: clinical testing. Allele origin: germline.
Comment: This sequence change replaces glycine, which is neutral and non-polar, with arginine, which is basic and polar, at codon 148 of the PIK3C2A protein (p.Gly148Arg). This variant is not present in population databases (gnomAD no frequency). This variant has not been reported in the literature in individuals affected with PIK3C2A-related conditions. ClinVar contains an entry for this variant (Variation ID: 2048317). Experimental studies and prediction algorithms are not available or were not evaluated, and the functional significance of this variant is currently unknown. In summary, the available evidence is currently insufficient to determine the role of this variant in disease. Therefore, it has been classified as a Variant of Uncertain Significance.